The following is an entry in ClinVar:

ClinVar aggregate classification (germline): Uncertain significance. Review status: criteria provided, multiple submitters, no conflicts (2 of 4 stars). 2 submissions from 2 submitters: Uncertain significance (2). Last evaluated 2026-02-18.

Conditions:
TWIST1-related craniosynostosis (CRS1). Also called: CRANIOSYNOSTOSIS 1. Identifiers: Orphanet 63440, MedGen C4551902, MONDO:0007399, OMIM 123100. Inheritance: Heterogenous inheritance pattern.
Inborn genetic diseases. Identifiers: MedGen C0950123, MeSH D030342.

Submissions (2):

Dasa
Classification: Uncertain significance for TWIST1-related craniosynostosis. Last evaluated: 2026-02-18. Review status: criteria provided, single submitter. Criteria: DASA Assertion Criteria. Collection method: clinical testing. Allele origin: germline.
Comment: NM_000474.4(TWIST1):c.581G>A (p.Gly194Glu) is a missense variant that results in the substitution of glycine with glutamic acid. This variant is absent from population databases. Computational prediction algorithms are consistent with a deleterious effect. The currently available literature and clinical evidence are not sufficient to establish a definitive association between this variant and the reported condition. Therefore, this variant is classified as a variant of uncertain significance.

Ambry Genetics
Classification: Uncertain significance for Inborn genetic diseases. Last evaluated: 2025-12-15. Review status: criteria provided, single submitter. Criteria: Ambry Variant Classification Scheme 2023. Collection method: clinical testing. Allele origin: germline.

NM_000474.4(TWIST1):c.581G>A (p.Gly194Glu)

Genes: TWIST1 (twist family bHLH transcription factor 1; minus strand), LOC129998021 (ATAC-STARR-seq lymphoblastoid active region 25682; plus strand). Cytogenetic location: 7p21.1.
Variant type: single nucleotide variant.
Coding change: c.581G>A on transcript NM_000474.4 (MANE Select); coding-DNA position 581, G replaced by A.
Protein change: p.Gly194Glu; replaces glycine 194 with glutamic acid.
Molecular consequence: missense variant. On other transcripts: non-coding transcript variant (1).
Genome position (GRCh38, 1-based): chr7:19,116,741, C>T on the plus strand (G>A on the coding strand, the complement: TWIST1 is on the minus strand). VCF-style: chr7-19116741-C-T. GRCh37 (hg19) VCF-style: chr7-19156364-C-T.
Other names: short protein forms G194E.
Identifiers: ClinVar variation 4836522 (VCV004836522.3).
Genomic context (GRCh38, chr7:19,116,741, plus strand): 5'-GGCCCTGCTGAGGGGGTGGGGGGCTCCGCCTGCTAGTGGGACGCGGACATGGACCAGGCC[C>T]CCTCCATCCTCCAGACCGAGAAGGCGTAGCTGAGCCGCTCGTGAGCCACATAGCTGCAGC-3'
Protein context (NP_000465.1, residues 184-202): SYAFSVWRME[Gly194Glu]AWSMSASH